The following is an entry in ClinVar:

ClinVar aggregate classification (germline): Uncertain significance (1 of 4 stars; one submission).

Conditions:
Cardiomyopathy (CMYO). Also called: Cardiomyopathies. Identifiers: Orphanet 167848, MedGen C0878544, MONDO:0004994, HP:0001638. Inheritance: Various modes of inheritance.

Submission:

Color Diagnostics, LLC DBA Color Health
Classification: Uncertain significance for Cardiomyopathy. Last evaluated: 2025-08-30. Review status: criteria provided, single submitter. Criteria: ACMG Guidelines, 2015. Collection method: clinical testing. Allele origin: germline.
Comment: This missense variant replaces glutamic acid with valine at codon 3343 of the RYR2 protein. Computational prediction suggests that this variant may have deleterious impact on protein structure and function. To our knowledge, functional studies have not been reported for this variant. This variant has not been reported in individuals affected with RYR2-related disorders in the literature. This variant has not been identified in the general population by the Genome Aggregation Database (gnomAD). The available evidence is insufficient to determine the role of this variant in disease conclusively. Therefore, this variant is classified as a Variant of Uncertain Significance.

NM_001035.3(RYR2):c.10028A>T (p.Glu3343Val)

Gene: RYR2 (ryanodine receptor 2; plus strand). Cytogenetic location: 1q43.
Variant type: single nucleotide variant.
Coding change: c.10028A>T on transcript NM_001035.3 (MANE Select); coding-DNA position 10028, A replaced by T.
Protein change: p.Glu3343Val; replaces glutamic acid 3343 with valine.
Molecular consequence: missense variant.
Genome position (GRCh38, 1-based): chr1:237,708,984, A>T. VCF-style: chr1-237708984-A-T. GRCh37 (hg19) VCF-style: chr1-237872284-A-T.
Other names: short protein forms E3343V.
Identifiers: ClinVar variation 4757994 (VCV004757994.1).